The following is an entry in ClinVar:

ClinVar aggregate classification (germline): Uncertain significance (1 of 4 stars; one submission).

Submission:

Labcorp Genetics (formerly Invitae), Labcorp
Classification: Uncertain significance. Last evaluated: 2025-10-27. Review status: criteria provided, single submitter. Criteria: Invitae Variant Classification Sherloc (09022015). Collection method: clinical testing. Allele origin: germline.
Comment: This sequence change falls in intron 2 of the ATAD1 gene. It does not directly change the encoded amino acid sequence of the ATAD1 protein. It affects a nucleotide within the consensus splice site. This variant is not present in population databases (gnomAD no frequency). This variant has not been reported in the literature in individuals affected with ATAD1-related conditions. ClinVar contains an entry for this variant (Variation ID: 1428649). Variants that disrupt the consensus splice site are a relatively common cause of aberrant splicing (PMID: 17576681, 9536098). Algorithms developed to predict the effect of sequence changes on RNA splicing suggest that this variant is not likely to affect RNA splicing. In summary, the available evidence is currently insufficient to determine the role of this variant in disease. Therefore, it has been classified as a Variant of Uncertain Significance.

Literature cited by the submitters: PubMed 17576681; PubMed 9536098.

NM_001321967.2(ATAD1):c.162+6A>G

Gene: ATAD1 (ATPase family AAA domain containing 1; minus strand). Cytogenetic location: 10q23.31.
Variant type: single nucleotide variant.
Coding change: c.162+6A>G on transcript NM_001321967.2 (MANE Select); 6 bases into the intron after coding-DNA position 162, A replaced by G.
Molecular consequence: intron variant.
Genome position (GRCh38, 1-based): chr10:87,814,432, T>C on the plus strand (A>G on the coding strand, the complement: ATAD1 is on the minus strand). VCF-style: chr10-87814432-T-C. GRCh37 (hg19) VCF-style: chr10-89574189-T-C.
Other names: c.162+6A>G (NM_001321968.2, NM_032810.4); c.-286+6A>G (NM_001321969.2).
Identifiers: ClinVar variation 1428649 (VCV001428649.5), dbSNP rs2132064088, ClinGen allele CA2573146081.
Genomic context (GRCh38, chr10:87,814,432, plus strand): 5'-TTTTAGTTTGAGGGGAAAATACTTGTTAGCCACAAGAAAAATGATCTTCAAACATTTCAA[T>C]CATACCTGTTTCTGAGCTTCTACTTTTTGCTTTCTGGTTGGATCAATTGCATCTACCATC-3'